The following is an entry in ClinVar:

NM_001267550.2(TTN):c.93178C>T (p.Arg31060Cys)

Genes: TTN (titin; minus strand), TTN-AS1 (TTN antisense RNA 1; plus strand). Cytogenetic location: 2q31.2.
Variant type: single nucleotide variant.
Coding change: c.93178C>T on transcript NM_001267550.2 (MANE Select); coding-DNA position 93178, C replaced by T.
Protein change: p.Arg31060Cys; replaces arginine 31060 with cysteine.
Molecular consequence: missense variant.
Genome position (GRCh38, 1-based): chr2:178,548,448, G>A on the plus strand (C>T on the coding strand, the complement: TTN is on the minus strand). VCF-style: chr2-178548448-G-A. GRCh37 (hg19) VCF-style: chr2-179413175-G-A.
Other names: c.85474C>T, p.Arg28492Cys (NM_133378.4); c.88255C>T, p.Arg29419Cys (NM_001256850.1); c.65983C>T, p.Arg21995Cys (NM_003319.4); c.66358C>T, p.Arg22120Cys (NM_133432.3); c.66559C>T, p.Arg22187Cys (NM_133437.4); short protein forms R28492C, R31060C, R22120C, R22187C, R21995C, R29419C.
Identifiers: ClinVar variation 229544 (VCV000229544.9), dbSNP rs750303653, ClinGen allele CA1987342.

ClinVar aggregate classification (germline): Conflicting classifications of pathogenicity. Review status: criteria provided, conflicting classifications (1 of 4 stars). 4 submissions from 4 submitters: Uncertain significance (3); Likely benign (1). Last evaluated 2026-03-11.

Conditions:
TTN-related disorder. Also called: TTN-related disorders; TTN-related condition; TTN-related disease.
Dilated cardiomyopathy 1G (CMD1G). Identifiers: Orphanet 154, MedGen C1858763, MONDO:0011400, OMIM 604145.
Autosomal recessive limb-girdle muscular dystrophy type 2J (LGMDR10). Also called: Limb-girdle muscular dystrophy, type 2J; MUSCULAR DYSTROPHY, LIMB-GIRDLE, AUTOSOMAL RECESSIVE 10. Identifiers: Orphanet 140922, MedGen C1837342, MONDO:0012127, OMIM 608807.

Allele frequency attached by ClinVar (database versions not stated): gnomAD below 0.00001 and 0.00001; TOPMed below 0.00001; ExAC 0.00003; gnomAD exomes 0.00003.
gnomAD v4.1: 31 of 1,613,692 alleles (0.0019%); highest among the groups gnomAD compares: South Asian, 0.014%; no homozygotes.

Submissions (4):

PreventionGenetics, part of Exact Sciences
Classification: Uncertain significance for TTN-related condition. Last evaluated: 2026-03-11. Review status: criteria provided, single submitter. Criteria: ACMG Guidelines, 2015. Collection method: clinical testing. Allele origin: germline.
Comment: The TTN c.93178C>T variant is predicted to result in the amino acid substitution p.Arg31060Cys. To our knowledge, this variant has not been reported in the literature. This variant is reported in 0.0098% of alleles in individuals of South Asian descent in gnomAD. At this time, the clinical significance of this variant is uncertain due to the absence of conclusive functional and genetic evidence.

Molecular Diagnostic Laboratory for Inherited Cardiovascular Disease, Montreal Heart Institute
Classification: Likely benign. Last evaluated: 2025-04-09. Review status: criteria provided, single submitter. Criteria: ACMG Guidelines, 2015. Collection method: clinical testing. Allele origin: germline. Affected: no.
Comment: BP1

Labcorp Genetics (formerly Invitae), Labcorp
Classification: Uncertain significance for Dilated cardiomyopathy 1G; Autosomal recessive limb-girdle muscular dystrophy type 2J. Last evaluated: 2017-08-11. Review status: criteria provided, single submitter. Criteria: Invitae Variant Classification Sherloc (09022015). Collection method: clinical testing. Allele origin: germline.

Laboratory for Molecular Medicine, Mass General Brigham Personalized Medicine
Classification: Uncertain significance. Last evaluated: 2015-04-16. Review status: criteria provided, single submitter. Criteria: LMM Criteria. Collection method: clinical testing. Allele origin: germline. Observed: 1 variant allele.
Comment: The p.Arg28492Cys variant in TTN has not been previously reported in individuals with cardiomyopathy, but has been identified in 3/16508 South Asian chromosomes by the Exome Aggregation Consortium (ExAC). Com putational prediction tools and conservation analysis do not provide strong supp ort for or against an impact to the protein. In summary, the clinical significan ce of the p.Arg28492Cys variant is uncertain.